The following is an entry in ClinVar:

NM_001170700.3(DTHD1):c.1654G>T (p.Ala552Ser)

Gene: DTHD1 (death domain containing 1; plus strand). Cytogenetic location: 4p14.
Variant type: single nucleotide variant.
Coding change: c.1654G>T on transcript NM_001170700.3 (MANE Select); coding-DNA position 1654, G replaced by T.
Protein change: p.Ala552Ser; replaces alanine 552 with serine.
Molecular consequence: missense variant. On other transcripts: non-coding transcript variant (2).
Genome position (GRCh38, 1-based): chr4:36,306,201, G>T. VCF-style: chr4-36306201-G-T. GRCh37 (hg19) VCF-style: chr4-36307823-G-T.
Other names: c.1279G>T (NM_001170700.1); c.784G>T, p.Ala262Ser (NM_001136536.5); c.721G>T, p.Ala241Ser (NM_001378435.1); short protein forms A241S, A262S, A552S.
Identifiers: ClinVar variation 2172677 (VCV002172677.5), dbSNP rs1410965995, ClinGen allele CA356680291.

ClinVar aggregate classification (germline): Uncertain significance. Review status: criteria provided, multiple submitters, no conflicts (2 of 4 stars). 2 submissions from 2 submitters: Uncertain significance (2). Last evaluated 2024-10-25.

Allele frequency attached by ClinVar (database versions not stated): gnomAD exomes below 0.00001; gnomAD 0.00001.
gnomAD v4.1: 3 of 1,551,564 alleles (0.00019%); highest among the groups gnomAD compares: Admixed American, 0.0059%; no homozygotes.

Submissions (2):

Labcorp Genetics (formerly Invitae), Labcorp
Classification: Uncertain significance. Last evaluated: 2024-10-25. Review status: criteria provided, single submitter. Criteria: Invitae Variant Classification Sherloc (09022015). Collection method: clinical testing. Allele origin: germline.
Comment: This sequence change replaces alanine, which is neutral and non-polar, with serine, which is neutral and polar, at codon 262 of the DTHD1 protein (p.Ala262Ser). This variant is not present in population databases (gnomAD no frequency). This variant has not been reported in the literature in individuals affected with DTHD1-related conditions. ClinVar contains an entry for this variant (Variation ID: 2172677). An algorithm developed to predict the effect of missense changes on protein structure and function (PolyPhen-2) suggests that this variant is likely to be tolerated. In summary, the available evidence is currently insufficient to determine the role of this variant in disease. Therefore, it has been classified as a Variant of Uncertain Significance.

Ambry Genetics
Classification: Uncertain significance. Last evaluated: 2024-07-30. Review status: criteria provided, single submitter. Criteria: Ambry Variant Classification Scheme 2023. Collection method: clinical testing. Allele origin: germline.